The following is an entry in ClinVar:

ClinVar aggregate classification (germline): Uncertain significance (1 of 4 stars; one submission).

Conditions:
Mismatch repair cancer syndrome 4. Identifiers: MedGen C5436817, MONDO:0030843, OMIM 619101.

Allele frequency attached by ClinVar (database versions not stated): gnomAD exomes below 0.00001.
gnomAD v4.1: 1 of 1,614,088 alleles (0.000062%); highest among the groups gnomAD compares: Non-Finnish European, 0.000085%; no homozygotes.

Submission:

MGZ Medical Genetics Center
Classification: Uncertain significance for Mismatch repair cancer syndrome 4. Last evaluated: 2022-07-20. Review status: criteria provided, single submitter. Criteria: ACMG Guidelines, 2015. Collection method: clinical testing. Allele origin: germline. Affected: yes. Observed: 1 variant allele.
Comment: ACMG criteria applied: PM2_SUP, BP4

NM_000535.7(PMS2):c.638C>T (p.Pro213Leu)

Gene: PMS2 (PMS1 homolog 2, mismatch repair system component; minus strand). Cytogenetic location: 7p22.1.
Variant type: single nucleotide variant.
Coding change: c.638C>T on transcript NM_000535.7 (MANE Select); coding-DNA position 638, C replaced by T.
Protein change: p.Pro213Leu; replaces proline 213 with leucine.
Molecular consequence: missense variant. On other transcripts: 5 prime UTR variant (2), non-coding transcript variant (1), intron variant (1).
Genome position (GRCh38, 1-based): chr7:5,999,175, G>A on the plus strand (C>T on the coding strand, the complement: PMS2 is on the minus strand). VCF-style: chr7-5999175-G-A. GRCh37 (hg19) VCF-style: chr7-6038806-G-A.
Other names: c.233C>T, p.Pro78Leu (NM_001018040.1, NM_001322003.2, NM_001322004.2 and 20 more transcripts); c.638C>T, p.Pro213Leu (NM_001322006.2, NM_001322014.2, NM_001406870.1 and 4 more transcripts); c.320C>T, p.Pro107Leu (NM_001322007.2, NM_001322008.2, NM_001406876.1 and 4 more transcripts); c.-296C>T (NM_001322011.2, NM_001322012.2); c.329C>T, p.Pro110Leu (NM_001322015.2, NM_001406875.1, NM_001406877.1 and 6 more transcripts); c.824C>T, p.Pro275Leu (NM_001406866.1); c.662C>T, p.Pro221Leu (NM_001406868.1); c.302C>T, p.Pro101Leu (NM_001406885.1); and 1 more; short protein forms P101L, P107L, P110L, P213L, P221L, P275L, P78L.
Identifiers: ClinVar variation 1709656 (VCV001709656.2), dbSNP rs1784803938, ClinGen allele CA366743934.